The following is an entry in ClinVar:

NM_182961.4(SYNE1):c.25144A>G (p.Ser8382Gly)

Gene: SYNE1 (spectrin repeat containing nuclear envelope protein 1; minus strand). Cytogenetic location: 6q25.2.
Variant type: single nucleotide variant.
Coding change: c.25144A>G on transcript NM_182961.4 (MANE Select); coding-DNA position 25144, A replaced by G.
Protein change: p.Ser8382Gly; replaces serine 8382 with glycine.
Molecular consequence: missense variant.
Genome position (GRCh38, 1-based): chr6:152,141,305, T>C on the plus strand (A>G on the coding strand, the complement: SYNE1 is on the minus strand). VCF-style: chr6-152141305-T-C. GRCh37 (hg19) VCF-style: chr6-152462440-T-C.
Other names: c.1750A>G, p.Ser584Gly (NM_001347701.2); c.1678A>G, p.Ser560Gly (NM_001347702.2); c.25000A>G, p.Ser8334Gly (NM_033071.5); short protein forms S560G, S584G, S8334G, S8382G.
Identifiers: ClinVar variation 999385 (VCV000999385.8), dbSNP rs1306354261, ClinGen allele CA366082318.
Genomic context (GRCh38, chr6:152,141,305, plus strand): 5'-GAAGGCTCTCCTCTTCCTCCTTCAGTTTGTGCTCCAGTCTCTTCACGGAGTCTATACTGC[T>C]ACTGCATTCGCCCAGCAGTTTCATCTGTTTAGACATAAACAACCGGCCCCTGTCACCCAA-3'
Protein context (NP_892006.3, residues 8372-8392): GYMKLLGECS[Ser8382Gly]SIDSVKRLEH

ClinVar aggregate classification (germline): Uncertain significance (1 of 4 stars; one submission).

Conditions:
Autosomal recessive ataxia, Beauce type. Also called: ATAXIA, RECESSIVE, OF BEAUCE; Spinocerebellar ataxia, autosomal recessive 8; SYNE1-Related Autosomal Recessive Cerebellar Ataxia; SYNE1 Deficiency. Identifiers: Orphanet 88644, MedGen C1853116, MONDO:0012549, OMIM 610743.
Emery-Dreifuss muscular dystrophy 4, autosomal dominant (EDMD4). Also called: EMERY-DREIFUSS MUSCULAR DYSTROPHY 4 WITH VARIABLE FEATURES. Identifiers: Orphanet 261, MedGen C2751807, MONDO:0013071, OMIM 612998.

Allele frequency attached by ClinVar (database versions not stated): gnomAD exomes 0.00001 and below 0.00001.
gnomAD v4.1: 2 of 1,614,200 alleles (0.00012%); highest among the groups gnomAD compares: Admixed American, 0.0017%; no homozygotes.

Submission:

Labcorp Genetics (formerly Invitae), Labcorp
Classification: Uncertain significance for Emery-Dreifuss muscular dystrophy 4, autosomal dominant; Autosomal recessive ataxia, Beauce type. Last evaluated: 2020-09-15. Review status: criteria provided, single submitter. Criteria: Invitae Variant Classification Sherloc (09022015). Collection method: clinical testing. Allele origin: germline.
Comment: In summary, the available evidence is currently insufficient to determine the role of this variant in disease. Therefore, it has been classified as a Variant of Uncertain Significance. Algorithms developed to predict the effect of missense changes on protein structure and function output the following: SIFT: "Tolerated"; PolyPhen-2: "Benign"; Align-GVGD: "Class C0". The glycine amino acid residue is found in multiple mammalian species, suggesting that this missense change does not adversely affect protein function. These predictions have not been confirmed by published functional studies and their clinical significance is uncertain. This variant has not been reported in the literature in individuals with SYNE1-related conditions. This variant is not present in population databases (ExAC no frequency). This sequence change replaces serine with glycine at codon 8334 of the SYNE1 protein (p.Ser8334Gly). The serine residue is weakly conserved and there is a small physicochemical difference between serine and glycine.